The following is an entry in ClinVar:

ClinVar aggregate classification (germline): Uncertain significance (1 of 4 stars; one submission).

Conditions:
Colorectal cancer, hereditary nonpolyposis, type 7. Identifiers: Orphanet 144, MedGen C1858380, MONDO:0013725, OMIM 614385.

Submission:

Labcorp Genetics (formerly Invitae), Labcorp
Classification: Uncertain significance for Colorectal cancer, hereditary nonpolyposis, type 7. Last evaluated: 2023-07-08. Review status: criteria provided, single submitter. Criteria: Invitae Variant Classification Sherloc (09022015). Collection method: clinical testing. Allele origin: germline.
Comment: This sequence change creates a premature translational stop signal (p.Phe1308Glyfs*6) in the MLH3 gene. It is expected to result in an absent or disrupted protein product. However, the current clinical and genetic evidence is not sufficient to establish whether loss-of-function variants in MLH3 cause disease. This variant is not present in population databases (gnomAD no frequency). This variant has not been reported in the literature in individuals affected with MLH3-related conditions. In summary, the available evidence is currently insufficient to determine the role of this variant in disease. Therefore, it has been classified as a Variant of Uncertain Significance.

NM_001040108.2(MLH3):c.3922_3926del (p.Phe1308fs)

Gene: MLH3 (mutL homolog 3; minus strand). Cytogenetic location: 14q24.3.
Variant type: Deletion.
Coding change: c.3922_3926del on transcript NM_001040108.2 (MANE Select); coding-DNA positions 3922 to 3926, 5 bases deleted (TTTGT; older notation c.3922_3926delTTTGT).
Protein change: p.Phe1308fs; shifts the reading frame from phenylalanine 1308.
Molecular consequence: frameshift variant.
Genome position (GRCh38, 1-based): chr14:75,030,604-75,030,608, ACAAA deleted on the plus strand (TTTGT on the coding strand, the reverse complement: MLH3 is on the minus strand); deleting any 5 consecutive bases within chr14:75,030,604-75,030,611 gives the same sequence; the c. name uses the placement nearest the transcript's 3' end. VCF-style (leftmost placement, unchanged base first): chr14-75030603-CACAAA-C. GRCh37 (hg19) VCF-style: chr14-75497306-CACAAA-C.
Other names: c.3850_3854del, p.Phe1284fs (NM_014381.3); short protein forms F1284fs, F1308fs.
Identifiers: ClinVar variation 2738133 (VCV002738133.3), dbSNP rs2503117341, ClinGen allele CA2697554027.